The following is an entry in ClinVar:

ClinVar aggregate classification (germline): Likely benign. Review status: criteria provided, multiple submitters, no conflicts (2 of 4 stars). 2 submissions from 2 submitters: Likely benign (2). Last evaluated 2025-03-04.

Submissions (2):

Center for Genomic Medicine, Rigshospitalet, Copenhagen University Hospital
Classification: Likely benign. Last evaluated: 2025-03-04. Review status: criteria provided, single submitter. Criteria: ACMG Guidelines, 2015. Collection method: clinical testing. Allele origin: germline.

GeneDx
Classification: Likely benign. Last evaluated: 2021-12-20. Review status: criteria provided, single submitter. Criteria: GeneDx Variant Classification Process June 2021. Collection method: clinical testing. Allele origin: germline. Affected: yes.
Comment: See Variant Classification Assertion Criteria.

NM_177438.3(DICER1):c.4206+9GT[12]

Gene: DICER1 (dicer 1, ribonuclease III; minus strand). Cytogenetic location: 14q32.13.
Variant type: Microsatellite.
Coding change: c.4206+9GT[12] on transcript NM_177438.3 (MANE Select); 12 copies in a row of the 2-base unit GT starting at c.4206+9; the reference has 20 copies in a row; eight copies, 16 bases deleted.
Molecular consequence: intron variant.
Genome position (GRCh38, 1-based): chr14:95,099,732-95,099,747, ACACACACACACACAC deleted on the plus strand (GTGTGTGTGTGTGTGT on the coding strand, the reverse complement: DICER1 is on the minus strand); deleting any 16 consecutive bases within chr14:95,099,732-95,099,772 gives the same sequence; the position shown is the placement nearest the transcript's 3' end. VCF-style (leftmost placement, unchanged base first): chr14-95099731-TACACACACACACACAC-T. GRCh37 (hg19) VCF-style: chr14-95566068-TACACACACACACACAC-T.
Other names: c.4206+9GT[12] (NM_001291628.2, NM_030621.4, NM_001395677.1 and 12 more transcripts); c.3801+9GT[12] (NM_001395690.1, NM_001395687.1, NM_001395689.1 and 2 more transcripts); c.3924+9GT[12] (NM_001395686.1); c.3639+9GT[12] (NM_001395691.1); c.2523+9GT[12] (NM_001395697.1); c.4206+33_4206+48del (NM_177438.3).
Identifiers: ClinVar variation 1691764 (VCV001691764.9), dbSNP rs71838494, ClinGen allele CA7330882.